The following is an entry in ClinVar:

NM_024577.4(SH3TC2):c.254A>T (p.Asp85Val)

Gene: SH3TC2 (SH3 domain and tetratricopeptide repeats 2; minus strand). Cytogenetic location: 5q32.
Variant type: single nucleotide variant.
Coding change: c.254A>T on transcript NM_024577.4 (MANE Select); coding-DNA position 254, A replaced by T.
Protein change: p.Asp85Val; replaces aspartic acid 85 with valine.
Molecular consequence: missense variant.
Genome position (GRCh38, 1-based): chr5:149,047,887, T>A on the plus strand (A>T on the coding strand, the complement: SH3TC2 is on the minus strand). VCF-style: chr5-149047887-T-A. GRCh37 (hg19) VCF-style: chr5-148427450-T-A.
Other names: short protein forms D85V.
Identifiers: ClinVar variation 699268 (VCV000699268.14), dbSNP rs567173388, ClinGen allele CA3499588.

ClinVar aggregate classification (germline): Conflicting classifications of pathogenicity. Review status: criteria provided, conflicting classifications (1 of 4 stars). 3 submissions from 3 submitters: Uncertain significance (2); Likely benign (1). Last evaluated 2025-02-19.

Conditions:
Charcot-Marie-Tooth disease type 4. Also called: Charcot-Marie-Tooth disease, type IV; Charcot-Marie-Tooth, Type 4. Identifiers: Orphanet 64749, MedGen C4082197, MONDO:0018995.

Allele frequency attached by ClinVar (database versions not stated): gnomAD below 0.00001 and 0.00005; TOPMed 0.00001; gnomAD exomes 0.00006 and 0.00011; ExAC 0.00012; 1000 Genomes Project 0.00060; 1000 Genomes Project 30x 0.00062.
gnomAD v4.1: 97 of 1,614,160 alleles (0.006%); highest among the groups gnomAD compares: South Asian, 0.1%; 1 homozygote.

Submissions (3):

Labcorp Genetics (formerly Invitae), Labcorp
Classification: Likely benign for Charcot-Marie-Tooth disease type 4. Last evaluated: 2025-02-19. Review status: criteria provided, single submitter. Criteria: Invitae Variant Classification Sherloc (09022015). Collection method: clinical testing. Allele origin: germline.

GeneDx
Classification: Uncertain significance. Last evaluated: 2024-06-26. Review status: criteria provided, single submitter. Criteria: GeneDx Variant Classification Process June 2021. Collection method: clinical testing. Allele origin: germline. Affected: yes.
Comment: Reported previously in a patient with a reportedly mild clinical phenotype including pes cavus, hammertoes, thickened nerves, areflexia, tremor, and abnormal nerve conduction study; this patient also harbored two other variants (phase unknown) (PMID: 35936615, 37929431); In silico analysis supports that this missense variant has a deleterious effect on protein structure/function; This variant is associated with the following publications: (PMID: 35936615, 37929431)

Revvity Omics, Revvity
Classification: Uncertain significance. Last evaluated: 2020-02-25. Review status: criteria provided, single submitter. Criteria: ACMG Guidelines, 2015. Collection method: clinical testing. Allele origin: germline.